The following is an entry in ClinVar:

NM_000719.7(CACNA1C):c.83C>G (p.Ala28Gly)

Gene: CACNA1C (calcium voltage-gated channel subunit alpha1 C; plus strand). Cytogenetic location: 12p13.33.
Variant type: single nucleotide variant.
Coding change: c.83C>G on transcript NM_000719.7 (MANE Select); coding-DNA position 83, C replaced by G.
Protein change: p.Ala28Gly; replaces alanine 28 with glycine.
Molecular consequence: missense variant.
Genome position (GRCh38, 1-based): chr12:2,115,257, C>G. VCF-style: chr12-2115257-C-G. GRCh37 (hg19) VCF-style: chr12-2224423-C-G.
Other names: c.83C>G, p.Ala28Gly (NM_001129827.2, NM_001129829.2, NM_001129830.3 and 19 more transcripts); short protein forms A28G.
Identifiers: ClinVar variation 3635026 (VCV003635026.2).

ClinVar aggregate classification (germline): Uncertain significance (1 of 4 stars; one submission).

Conditions:
Long QT syndrome (LQTS). Identifiers: MedGen C0023976, MeSH D008133, MONDO:0002442. Disease mechanism: loss of function. Inheritance: Various modes of inheritance.

Submission:

Labcorp Genetics (formerly Invitae), Labcorp
Classification: Uncertain significance for Long QT syndrome. Last evaluated: 2024-12-06. Review status: criteria provided, single submitter. Criteria: Invitae Variant Classification Sherloc (09022015). Collection method: clinical testing. Allele origin: germline.
Comment: This sequence change replaces alanine, which is neutral and non-polar, with glycine, which is neutral and non-polar, at codon 28 of the CACNA1C protein (p.Ala28Gly). This variant is not present in population databases (gnomAD no frequency). This variant has not been reported in the literature in individuals affected with CACNA1C-related conditions. Invitae Evidence Modeling of protein sequence and biophysical properties (such as structural, functional, and spatial information, amino acid conservation, physicochemical variation, residue mobility, and thermodynamic stability) indicates that this missense variant is not expected to disrupt CACNA1C protein function with a negative predictive value of 95%. In summary, the available evidence is currently insufficient to determine the role of this variant in disease. Therefore, it has been classified as a Variant of Uncertain Significance.